The following is an entry in ClinVar:

NM_007294.4(BRCA1):c.2621dup (p.Asn874fs)

Gene: BRCA1 (BRCA1 DNA repair associated; minus strand). Cytogenetic location: 17q21.31.
Variant type: Duplication.
Coding change: c.2621dup on transcript NM_007294.4 (MANE Select); coding-DNA position 2621, one base duplicated (A; older notation c.2621dupA).
Protein change: p.Asn874fs; shifts the reading frame from asparagine 874.
Molecular consequence: frameshift variant. On other transcripts: intron variant (137).
Genome position (GRCh38, 1-based): chr17:43,092,910, T duplicated on the plus strand (A on the coding strand, the reverse complement: BRCA1 is on the minus strand); the first of 3 consecutive T bases (chr17:43,092,910-43,092,912); duplicating any one gives the same sequence. VCF-style (leftmost placement, unchanged base first): chr17-43092909-A-AT. GRCh37 (hg19) VCF-style: chr17-41244926-A-AT.
Other names: c.2420dup, p.Asn807fs (NM_001407862.1); c.2498dup, p.Asn833fs (NM_001407863.1, NM_001407919.1, NM_001407648.1 and 19 more transcripts); c.2417dup, p.Asn806fs (NM_001407874.1, NM_001407875.1); c.2411dup, p.Asn804fs (NM_001407879.1, NM_001407881.1, NM_001407882.1 and 13 more transcripts); c.2408dup, p.Asn803fs (NM_001407894.1, NM_001407895.1, NM_001407896.1 and 9 more transcripts); c.2357dup, p.Asn786fs (NM_001407928.1, NM_001407929.1, NM_001407920.1 and 9 more transcripts); c.2621dup, p.Asn874fs (NM_001407581.1, NM_001407582.1, NM_001407583.1 and 30 more transcripts); c.2618dup, p.Asn873fs (NM_001407587.1, NM_001407590.1, NM_001407591.1 and 22 more transcripts); and 41 more; short protein forms N874fs, N827fs, N706fs, N746fs, N747fs, N803fs, N826fs, N833fs.
Identifiers: ClinVar variation 1408952 (VCV001408952.7), dbSNP rs587781423, ClinGen allele CA2573154019.

ClinVar aggregate classification (germline): Pathogenic (1 of 4 stars; one submission).

Conditions:
Hereditary breast ovarian cancer syndrome. Also called: Hereditary breast and ovarian cancer syndrome (HBOC); Breast and ovarian cancer; Hereditary breast and ovarian cancer syndrome; Hereditary breast and/or ovarian cancer syndrome; Hereditary breast and ovarian cancer; BRCA1- and BRCA2-Associated Hereditary Breast and Ovarian Cancer. Identifiers: Orphanet 145, MedGen C0677776, MeSH D061325, MONDO:0003582. Disease mechanism: loss of function.

Submission:

Labcorp Genetics (formerly Invitae), Labcorp
Classification: Pathogenic for Hereditary breast ovarian cancer syndrome. Last evaluated: 2021-06-28. Review status: criteria provided, single submitter. Criteria: Invitae Variant Classification Sherloc (09022015). Collection method: clinical testing. Allele origin: germline.
Comment: For these reasons, this variant has been classified as Pathogenic. This variant has not been reported in the literature in individuals with BRCA1-related conditions. This variant is not present in population databases (ExAC no frequency). This sequence change creates a premature translational stop signal (p.Asn874Lysfs*29) in the BRCA1 gene. It is expected to result in an absent or disrupted protein product. Loss-of-function variants in BRCA1 are known to be pathogenic (PMID: 20104584).

Literature cited by the submitters: PubMed 20104584.